The following is an entry in ClinVar:

NM_001814.6(CTSC):c.570C>G (p.Tyr190Ter)

Gene: CTSC (cathepsin C; minus strand). Cytogenetic location: 11q14.2.
Variant type: single nucleotide variant.
Coding change: c.570C>G on transcript NM_001814.6 (MANE Select); coding-DNA position 570, C replaced by G.
Protein change: p.Tyr190Ter; replaces tyrosine 190 with a stop codon.
Molecular consequence: nonsense.
Genome position (GRCh38, 1-based): chr11:88,309,234, G>C on the plus strand (C>G on the coding strand, the complement: CTSC is on the minus strand). VCF-style: chr11-88309234-G-C. GRCh37 (hg19) VCF-style: chr11-88042402-G-C.
Other names: short protein forms Y190*.
Identifiers: ClinVar variation 1398717 (VCV001398717.5), dbSNP rs2496556090, ClinGen allele CA382025173.
Genomic context (GRCh38, chr11:88,309,234, plus strand): 5'-TCGACTGTGGCCACCACTTCTCCTAATCATATCTCCCAGGGTAAGAGTCTCATATTCCAT[G>C]TATGTAGTTGCAGTCCAAGACTTCTGAATGGCATTGATAGCTTTCACAAAGTTGTGATCA-3'

ClinVar aggregate classification (germline): Pathogenic (1 of 4 stars; one submission).

Conditions:
Papillon-Lefèvre syndrome (PALS). Also called: KERATOSIS PALMOPLANTARIS WITH PERIODONTOPATHIA; Papillon-Lefevre Disease. Identifiers: Orphanet 678, MedGen C0030360, MONDO:0009490, OMIM 245000.
Periodontitis, aggressive. Identifiers: MedGen C0031106, MONDO:0980757.
Haim-Munk syndrome (HMS). Also called: COCHIN JEWISH DISORDER; KERATOSIS PALMOPLANTARIS WITH PERIODONTOPATHIA AND ONYCHOGRYPOSIS. Identifiers: Orphanet 2342, MedGen C1855627, MONDO:0009491, OMIM 245010.

Submission:

Labcorp Genetics (formerly Invitae), Labcorp
Classification: Pathogenic for Haim-Munk syndrome; Periodontitis, aggressive; Papillon-Lefèvre syndrome. Last evaluated: 2021-09-15. Review status: criteria provided, single submitter. Criteria: Invitae Variant Classification Sherloc (09022015). Collection method: clinical testing. Allele origin: germline.
Comment: For these reasons, this variant has been classified as Pathogenic. This variant has not been reported in the literature in individuals affected with CTSC-related conditions. This variant is not present in population databases (ExAC no frequency). This sequence change creates a premature translational stop signal (p.Tyr190*) in the CTSC gene. It is expected to result in an absent or disrupted protein product. Loss-of-function variants in CTSC are known to be pathogenic (PMID: 10662808, 11106356, 11886537).

Literature cited by the submitters: PubMed 10662808; PubMed 11106356; PubMed 11886537.